The following is an entry in ClinVar:

ClinVar aggregate classification (germline): Uncertain significance (1 of 4 stars; one submission).

Allele frequency attached by ClinVar (database versions not stated): TOPMed below 0.00001.
gnomAD v4.1: 1 of 1,614,050 alleles (0.000062%); highest among the groups gnomAD compares: Non-Finnish European, 0.000085%; no homozygotes.

Submission:

Labcorp Genetics (formerly Invitae), Labcorp
Classification: Uncertain significance. Last evaluated: 2021-12-03. Review status: criteria provided, single submitter. Criteria: Invitae Variant Classification Sherloc (09022015). Collection method: clinical testing. Allele origin: germline.
Comment: Algorithms developed to predict the effect of missense changes on protein structure and function output the following: SIFT: "Tolerated"; PolyPhen-2: "Benign"; Align-GVGD: "Class C0". The phenylalanine amino acid residue is found in multiple mammalian species, which suggests that this missense change does not adversely affect protein function. This variant has not been reported in the literature in individuals affected with PDE6C-related conditions. This variant is not present in population databases (gnomAD no frequency). This sequence change replaces cysteine, which is neutral and slightly polar, with phenylalanine, which is neutral and non-polar, at codon 62 of the PDE6C protein (p.Cys62Phe). In summary, the available evidence is currently insufficient to determine the role of this variant in disease. Therefore, it has been classified as a Variant of Uncertain Significance.

NM_006204.4(PDE6C):c.185G>T (p.Cys62Phe)

Gene: PDE6C (phosphodiesterase 6C; plus strand). Cytogenetic location: 10q23.33.
Variant type: single nucleotide variant.
Coding change: c.185G>T on transcript NM_006204.4 (MANE Select); coding-DNA position 185, G replaced by T.
Protein change: p.Cys62Phe; replaces cysteine 62 with phenylalanine.
Molecular consequence: missense variant.
Genome position (GRCh38, 1-based): chr10:93,612,910, G>T. VCF-style: chr10-93612910-G-T. GRCh37 (hg19) VCF-style: chr10-95372667-G-T.
Other names: short protein forms C62F.
Identifiers: ClinVar variation 1424792 (VCV001424792.6), dbSNP rs1164078148, ClinGen allele CA377621784.